The following is an entry in ClinVar:

NM_015192.4(PLCB1):c.1168-1G>A

Gene: PLCB1 (phospholipase C beta 1; plus strand). Cytogenetic location: 20p12.3.
Variant type: single nucleotide variant.
Coding change: c.1168-1G>A on transcript NM_015192.4 (MANE Select); the canonical splice acceptor site of the intron before coding-DNA position 1168, G replaced by A.
Molecular consequence: splice acceptor variant.
Genome position (GRCh38, 1-based): chr20:8,708,669, G>A. VCF-style: chr20-8708669-G-A. GRCh37 (hg19) VCF-style: chr20-8689316-G-A.
Other names: c.1168-1G>A (NM_182734.3).
Identifiers: ClinVar variation 1507516 (VCV001507516.6), dbSNP rs2123451785, ClinGen allele CA408198462.

ClinVar aggregate classification (germline): Likely pathogenic (1 of 4 stars; one submission).

Conditions:
Developmental and epileptic encephalopathy, 12 (DEE12). Identifiers: MedGen C3150988, MONDO:0013389, OMIM 613722.

Allele frequency attached by ClinVar (database versions not stated): gnomAD exomes below 0.00001.
gnomAD v4.1: 1 of 1,604,400 alleles (0.000062%); highest among the groups gnomAD compares: Non-Finnish European, 0.000085%; no homozygotes.

Submission:

Labcorp Genetics (formerly Invitae), Labcorp
Classification: Likely pathogenic for Developmental and epileptic encephalopathy, 12. Last evaluated: 2021-08-11. Review status: criteria provided, single submitter. Criteria: Invitae Variant Classification Sherloc (09022015). Collection method: clinical testing. Allele origin: germline.
Comment: Algorithms developed to predict the effect of sequence changes on RNA splicing suggest that this variant may disrupt the consensus splice site. This sequence change affects an acceptor splice site in intron 11 of the PLCB1 gene. It is expected to disrupt RNA splicing. Variants that disrupt the donor or acceptor splice site typically lead to a loss of protein function (PMID: 16199547), and loss-of-function variants in PLCB1 are known to be pathogenic (PMID: 24684524). This variant is not present in population databases (ExAC no frequency). This variant has not been reported in the literature in individuals affected with PLCB1-related conditions. In summary, the currently available evidence indicates that the variant is pathogenic, but additional data are needed to prove that conclusively. Therefore, this variant has been classified as Likely Pathogenic.

Literature cited by the submitters: PubMed 16199547; PubMed 24684524.